The following is an entry in ClinVar:

NM_021076.4(NEFH):c.78C>T (p.Tyr26=)

Gene: NEFH (neurofilament heavy chain; plus strand). Cytogenetic location: 22q12.2.
Variant type: single nucleotide variant.
Coding change: c.78C>T on transcript NM_021076.4 (MANE Select); coding-DNA position 78, C replaced by T.
Protein change: p.Tyr26=; no amino-acid change (tyrosine 26 retained).
Molecular consequence: synonymous variant.
Genome position (GRCh38, 1-based): chr22:29,480,340, C>T. VCF-style: chr22-29480340-C-T. GRCh37 (hg19) VCF-style: chr22-29876329-C-T.
Other names: c.78C>T (NM_021076.3).
Identifiers: ClinVar variation 2861405 (VCV002861405.5), dbSNP rs1324125447, ClinGen allele CA513986820.

ClinVar aggregate classification (germline): Likely benign. Review status: criteria provided, single submitter (1 of 4 stars). 2 submissions from 2 submitters: Likely benign (1). 1 of the submissions does not count toward it. Last evaluated 2023-07-07.

Conditions:
NEFH-related disorder. Also called: NEFH-related condition.

gnomAD v4.1: 9 of 1,521,702 alleles (0.00059%); highest among the groups gnomAD compares: African/African-American, 0.0014%; no homozygotes.

Submissions (2):

Labcorp Genetics (formerly Invitae), Labcorp
Classification: Likely benign. Last evaluated: 2023-07-07. Review status: criteria provided, single submitter. Criteria: Invitae Variant Classification Sherloc (09022015). Collection method: clinical testing. Allele origin: germline.

PreventionGenetics, part of Exact Sciences
Classification: Likely benign for NEFH-related condition. Last evaluated: 2019-06-12. Review status: no assertion criteria provided. Collection method: clinical testing. Allele origin: germline. Not counted in ClinVar's aggregate classification.
Comment: This variant is classified as likely benign based on ACMG/AMP sequence variant interpretation guidelines (Richards et al. 2015 PMID: 25741868, with internal and published modifications).